The following is an entry in ClinVar:

ClinVar aggregate classification (germline): Uncertain significance (1 of 4 stars; one submission).

Conditions:
Dystonic disorder. Also called: Dystonia. Identifiers: MedGen C0013421, MONDO:0003441, HP:0001332.

Submission:

Labcorp Genetics (formerly Invitae), Labcorp
Classification: Uncertain significance for Dystonic disorder. Last evaluated: 2024-04-10. Review status: criteria provided, single submitter. Criteria: Invitae Variant Classification Sherloc (09022015). Collection method: clinical testing. Allele origin: germline.
Comment: This sequence change replaces proline, which is neutral and non-polar, with threonine, which is neutral and polar, at codon 735 of the ANO3 protein (p.Pro735Thr). This variant is not present in population databases (gnomAD no frequency). This variant has not been reported in the literature in individuals affected with ANO3-related conditions. Advanced modeling of protein sequence and biophysical properties (such as structural, functional, and spatial information, amino acid conservation, physicochemical variation, residue mobility, and thermodynamic stability) performed at Invitae indicates that this missense variant is not expected to disrupt ANO3 protein function with a negative predictive value of 80%. In summary, the available evidence is currently insufficient to determine the role of this variant in disease. Therefore, it has been classified as a Variant of Uncertain Significance.

NM_031418.4(ANO3):c.2203C>A (p.Pro735Thr)

Gene: ANO3 (anoctamin 3; plus strand). Cytogenetic location: 11p14.2.
Variant type: single nucleotide variant.
Coding change: c.2203C>A on transcript NM_031418.4 (MANE Select); coding-DNA position 2203, C replaced by A.
Protein change: p.Pro735Thr; replaces proline 735 with threonine.
Molecular consequence: missense variant.
Genome position (GRCh38, 1-based): chr11:26,641,957, C>A. VCF-style: chr11-26641957-C-A. GRCh37 (hg19) VCF-style: chr11-26663504-C-A.
Other names: c.2386C>A, p.Pro796Thr (NM_001313726.2); c.1765C>A, p.Pro589Thr (NM_001313727.2); short protein forms P589T, P735T, P796T.
Identifiers: ClinVar variation 2727707 (VCV002727707.3), dbSNP rs865898918, ClinGen allele CA219405980.